The following is an entry in ClinVar:

NM_182641.4(BPTF):c.6373A>T (p.Thr2125Ser)

Gene: BPTF (bromodomain PHD finger transcription factor; plus strand). Cytogenetic location: 17q24.2.
Variant type: single nucleotide variant.
Coding change: c.6373A>T on transcript NM_182641.4 (MANE Select); coding-DNA position 6373, A replaced by T.
Protein change: p.Thr2125Ser; replaces threonine 2125 with serine.
Molecular consequence: missense variant.
Genome position (GRCh38, 1-based): chr17:67,940,552, A>T. VCF-style: chr17-67940552-A-T. GRCh37 (hg19) VCF-style: chr17-65936668-A-T.
Other names: c.6751A>T, p.Thr2251Ser (NM_004459.7); short protein forms T2251S, T2125S.
Identifiers: ClinVar variation 2050724 (VCV002050724.4), dbSNP rs1555671454, ClinGen allele CA400721186.
Genomic context (GRCh38, chr17:67,940,552, plus strand): 5'-GCAGTCTCCGCCCCTAACACGGTTTCCTCAACACCTGGGCAGAAAAGCTTAACTTCAGCA[A>T]CGTCCACTTCAAATATACAGTCTTCAGCCTCACAACCCCCTCGCCCCCAACAAGGACAAG-3'
Protein context (NP_872579.2, residues 2115-2135): TPGQKSLTSA[Thr2125Ser]STSNIQSSAS

ClinVar aggregate classification (germline): Uncertain significance (1 of 4 stars; one submission).

gnomAD v4.1: 2 of 1,614,118 alleles (0.00012%); highest among the groups gnomAD compares: Non-Finnish European, 0.00017%; no homozygotes.

Submission:

Labcorp Genetics (formerly Invitae), Labcorp
Classification: Uncertain significance. Last evaluated: 2022-07-04. Review status: criteria provided, single submitter. Criteria: Invitae Variant Classification Sherloc (09022015). Collection method: clinical testing. Allele origin: germline.
Comment: In summary, the available evidence is currently insufficient to determine the role of this variant in disease. Therefore, it has been classified as a Variant of Uncertain Significance. Algorithms developed to predict the effect of missense changes on protein structure and function (SIFT, PolyPhen-2, Align-GVGD) all suggest that this variant is likely to be tolerated. This variant has not been reported in the literature in individuals affected with BPTF-related conditions. This variant is not present in population databases (gnomAD no frequency). This sequence change replaces threonine, which is neutral and polar, with serine, which is neutral and polar, at codon 2251 of the BPTF protein (p.Thr2251Ser).